The following is an entry in ClinVar:

NM_000540.3(RYR1):c.9185_9186inv (p.Pro3062Leu)

Gene: RYR1 (ryanodine receptor 1; plus strand). Cytogenetic location: 19q13.2.
Variant type: Inversion.
Coding change: c.9185_9186inv on transcript NM_000540.3 (MANE Select).
Protein change: p.Pro3062Leu; replaces proline 3062 with leucine.
Molecular consequence: missense variant.
Genome position: GRCh38 VCF-style: chr19-38512084-CA-TG. GRCh37 (hg19) VCF-style: chr19-39002724-CA-TG.
Other names: c.9185_9186delinsTG (NM_000540.3); c.9185_9186inv, p.Pro3062Leu (NM_001042723.2); short protein forms P3062L.
Identifiers: ClinVar variation 4758550 (VCV004758550.1).

ClinVar aggregate classification (germline): Uncertain significance (1 of 4 stars; one submission).

Conditions:
Malignant hyperthermia, susceptibility to, 1 (MHS1). Also called: RYR1-Related Malignant Hyperthermia Susceptibility; Malignant hyperthermia suceptibility 1; Anesthesia related hyperthermia; Malignant hyperpyrexia; Fulminating hyperpyrexia; Pharmacogenic myopathy. Identifiers: Orphanet 423, MedGen C2930980, MONDO:0007783, OMIM 145600.

Submission:

Color Diagnostics, LLC DBA Color Health
Classification: Uncertain significance for Malignant hyperthermia, susceptibility to, 1. Last evaluated: 2025-07-14. Review status: criteria provided, single submitter. Criteria: ACMG Guidelines, 2015. Collection method: clinical testing. Allele origin: germline.
Comment: This missense variant replaces proline with leucine at codon 3062 of the RYR1 protein. To our knowledge, functional studies have not been reported for this variant. This variant has not been reported in individuals affected with RYR1-related disorders in the literature. This variant has not been identified in the general population by the Genome Aggregation Database (gnomAD). The available evidence is insufficient to determine the role of this variant in disease conclusively. Therefore, this variant is classified as a Variant of Uncertain Significance.